The following is an entry in ClinVar:

ClinVar aggregate classification (germline): Conflicting classifications of pathogenicity. Review status: criteria provided, conflicting classifications (1 of 4 stars). 7 submissions from 3 submitters: Uncertain significance (1); Likely benign (6). Last evaluated 2025-12-18.

Conditions:
Congenital myasthenic syndrome 16. Identifiers: Orphanet 590, MedGen C3280112, MONDO:0013620, OMIM 614198.
Hyperkalemic periodic paralysis. Also called: Familial hyperkalemic periodic paralysis; Gamstorp disease. Identifiers: Orphanet 682, MedGen C0238357, MONDO:0008224, OMIM 170500, HP:0007215.
Hypokalemic periodic paralysis, type 2 (HOKPP2). Identifiers: Orphanet 681, MedGen C2750061, MONDO:0013234, OMIM 613345.
Paramyotonia congenita of Von Eulenburg. Also called: PARALYSIS PERIODICA PARAMYOTONICA; Eulenburg disease; Myotonia congenita intermittens; Von Eulenburg paramyotonia congenita; Paramyotonia Congenita. Identifiers: Orphanet 684, MedGen C0221055, MONDO:0008195, OMIM 168300. Disease mechanism: loss of function.
Potassium-aggravated myotonia. Also called: MYOTONIA CONGENITA, ACETAZOLAMIDE-RESPONSIVE; MYOTONIA CONGENITA, ATYPICAL; SODIUM CHANNEL MUSCLE DISEASE; Myotonia congenita, atypical, acetazolamide-responsive. Identifiers: Orphanet 612, Orphanet 99734, Orphanet 99735, Orphanet 99736, MedGen C2931826, MONDO:0018959, OMIM 608390.

Allele frequency attached by ClinVar (database versions not stated): gnomAD 0.00010 and 0.00011; TOPMed 0.00012; ExAC 0.00009; ESP Exome Variant Server 0.00008.

Submissions (7):

Labcorp Genetics (formerly Invitae), Labcorp
Classification: Likely benign for Hyperkalemic periodic paralysis. Last evaluated: 2025-12-18. Review status: criteria provided, single submitter. Criteria: Invitae Variant Classification Sherloc (09022015). Collection method: clinical testing. Allele origin: germline.

CeGaT Center for Human Genetics Tuebingen
Classification: Likely benign. Last evaluated: 2025-05-01. Review status: criteria provided, single submitter. Criteria: CeGaT Center For Human Genetics Tuebingen Variant Classification Criteria Version 2. Collection method: clinical testing. Allele origin: germline. Affected: yes. Observed: 3 variant alleles.
Comment: SCN4A: BP4, BP7

Illumina Laboratory Services, Illumina
Classification: Likely benign for Potassium-aggravated myotonia. Last evaluated: 2018-01-12. Review status: criteria provided, single submitter. Criteria: ICSL Variant Classification Criteria 13 December 2019. Collection method: clinical testing. Allele origin: germline.
Comment: This variant was observed in the ICSL laboratory as part of a predisposition screen in an ostensibly healthy population. It had not been previously curated by ICSL or reported in the Human Gene Mutation Database (HGMD: prior to June 1st, 2018), and was therefore a candidate for classification through an automated scoring system. Utilizing variant allele frequency, disease prevalence and penetrance estimates, and inheritance mode, an automated score was calculated to assess if this variant is too frequent to cause the disease. Based on the score and internal cut-off values, a variant classified as likely benign is not then subjected to further curation. The score for this variant resulted in a classification of likely benign for this disease.

Illumina Laboratory Services, Illumina
Classification: Likely benign for Hypokalemic periodic paralysis, type 2. Last evaluated: 2018-01-12. Review status: criteria provided, single submitter. Criteria: ICSL Variant Classification Criteria 13 December 2019. Collection method: clinical testing. Allele origin: germline.
Comment: the same text as in the submission from Illumina Laboratory Services, Illumina above.

Illumina Laboratory Services, Illumina
Classification: Likely benign for Hyperkalemic periodic paralysis. Last evaluated: 2018-01-12. Review status: criteria provided, single submitter. Criteria: ICSL Variant Classification Criteria 13 December 2019. Collection method: clinical testing. Allele origin: germline.
Comment: the same text as in the submission from Illumina Laboratory Services, Illumina above.

Illumina Laboratory Services, Illumina
Classification: Likely benign for Paramyotonia congenita of Von Eulenburg. Last evaluated: 2018-01-12. Review status: criteria provided, single submitter. Criteria: ICSL Variant Classification Criteria 13 December 2019. Collection method: clinical testing. Allele origin: germline.
Comment: the same text as in the submission from Illumina Laboratory Services, Illumina above.

Illumina Laboratory Services, Illumina
Classification: Uncertain significance for Congenital myasthenic syndrome 16. Last evaluated: 2018-01-12. Review status: criteria provided, single submitter. Criteria: ICSL Variant Classification Criteria 13 December 2019. Collection method: clinical testing. Allele origin: germline.

NM_000334.4(SCN4A):c.4083C>A (p.Ile1361=)

Genes: GH-LCR (growth hormone locus control region; plus strand), SCN4A (sodium voltage-gated channel alpha subunit 4; minus strand). Cytogenetic location: 17q23.3.
Variant type: single nucleotide variant.
Coding change: c.4083C>A on transcript NM_000334.4 (MANE Select); coding-DNA position 4083, C replaced by A.
Protein change: p.Ile1361=; no amino-acid change (isoleucine 1361 retained).
Molecular consequence: synonymous variant.
Genome position (GRCh38, 1-based): chr17:63,943,031, G>T on the plus strand (C>A on the coding strand, the complement: SCN4A is on the minus strand). VCF-style: chr17-63943031-G-T. GRCh37 (hg19) VCF-style: chr17-62020391-G-T.
Identifiers: ClinVar variation 705783 (VCV000705783.51), dbSNP rs374480468, ClinGen allele CA8709054.